The following is an entry in ClinVar:

NM_000089.4(COL1A2):c.3359A>G (p.Asp1120Gly)

Gene: COL1A2 (collagen type I alpha 2 chain; plus strand). Cytogenetic location: 7q21.3.
Variant type: single nucleotide variant.
Coding change: c.3359A>G on transcript NM_000089.4 (MANE Select); coding-DNA position 3359, A replaced by G.
Protein change: p.Asp1120Gly; replaces aspartic acid 1120 with glycine.
Molecular consequence: missense variant.
Genome position (GRCh38, 1-based): chr7:94,427,718, A>G. VCF-style: chr7-94427718-A-G. GRCh37 (hg19) VCF-style: chr7-94057030-A-G.
Other names: short protein forms D1120G.
Identifiers: ClinVar variation 1367319 (VCV001367319.8), dbSNP rs2115959926, ClinGen allele CA368225806.
Genomic context (GRCh38, chr7:94,427,718, plus strand): 5'-CTCCAGGTGTAAGCGGTGGTGGTTATGACTTTGGTTACGATGGAGACTTCTACAGGGCTG[A>G]CCAGCCTCGCTCAGCACCTTCTCTCAGACCCAAGGACTATGAAGTTGATGCTACTCTGAA-3'
Protein context (NP_000080.2, residues 1110-1130): FGYDGDFYRA[Asp1120Gly]QPRSAPSLRP

ClinVar aggregate classification (germline): Pathogenic (1 of 4 stars; one submission).

Conditions:
Osteogenesis imperfecta type I (OI1). Also called: OI, TYPE I; OSTEOGENESIS IMPERFECTA TARDA; OSTEOGENESIS IMPERFECTA WITH BLUE SCLERAE; Osteogenesis imperfecta type 1; Lobstein's Disease; Lobstein disease. Identifiers: Orphanet 216796, Orphanet 666, MedGen C0023931, MONDO:0008146, OMIM 166200. Disease mechanism: loss of function.
Ehlers-Danlos syndrome, classic type, 1 (EDSCL1). Also called: EHLERS-DANLOS SYNDROME, GRAVIS TYPE; EHLERS-DANLOS SYNDROME, SEVERE CLASSIC TYPE; Ehlers-Danlos syndrome, type 1; EDS I; Ehlers-Danlos Syndrome, Classic Type, COL5A1-Related. Identifiers: MedGen C0268335, MONDO:0019567, OMIM 130000.

Submission:

Labcorp Genetics (formerly Invitae), Labcorp
Classification: Pathogenic for Osteogenesis imperfecta type I; Ehlers-Danlos syndrome, classic type, 1. Last evaluated: 2022-11-08. Review status: criteria provided, single submitter. Criteria: Invitae Variant Classification Sherloc (09022015). Collection method: clinical testing. Allele origin: germline.
Comment: This variant disrupts the p.Asp1120 amino acid residue in COL1A2. Other variant(s) that disrupt this residue have been determined to be pathogenic (PMID: 27264419, 29669177; Invitae). This suggests that this residue is clinically significant, and that variants that disrupt this residue are likely to be disease-causing. Advanced modeling of protein sequence and biophysical properties (such as structural, functional, and spatial information, amino acid conservation, physicochemical variation, residue mobility, and thermodynamic stability) performed at Invitae indicates that this missense variant is not expected to disrupt COL1A2 protein function. ClinVar contains an entry for this variant (Variation ID: 1367319). This missense change has been observed in individual(s) with osteogenesis imperfecta (PMID: 28916840; Invitae). In at least one individual the variant was observed to be de novo. This variant is not present in population databases (gnomAD no frequency). This sequence change replaces aspartic acid, which is acidic and polar, with glycine, which is neutral and non-polar, at codon 1120 of the COL1A2 protein (p.Asp1120Gly). For these reasons, this variant has been classified as Pathogenic.

Literature cited by the submitters: PubMed 27264419; PubMed 29669177; PubMed 28916840.